The following is an entry in ClinVar:

ClinVar aggregate classification (germline): Uncertain significance (1 of 4 stars; one submission).

gnomAD v4.1: 1 of 1,595,094 alleles (0.000063%); highest among the groups gnomAD compares: Non-Finnish European, 0.000085%; no homozygotes.

Submission:

Labcorp Genetics (formerly Invitae), Labcorp
Classification: Uncertain significance. Last evaluated: 2025-12-16. Review status: criteria provided, single submitter. Criteria: Invitae Variant Classification Sherloc (09022015). Collection method: clinical testing. Allele origin: germline.
Comment: This sequence change replaces alanine, which is neutral and non-polar, with threonine, which is neutral and polar, at codon 23 of the SLC18A3 protein (p.Ala23Thr). The frequency data for this variant in the population databases is considered unreliable, as metrics indicate poor data quality at this position in the gnomAD database. This variant has not been reported in the literature in individuals affected with SLC18A3-related conditions. An algorithm developed to predict the effect of missense changes on protein structure and function outputs the following: PolyPhen-2: "Benign". The threonine amino acid residue is found in multiple mammalian species, which suggests that this missense change does not adversely affect protein function. In summary, the available evidence is currently insufficient to determine the role of this variant in disease. Therefore, it has been classified as a Variant of Uncertain Significance.

NM_003055.3(SLC18A3):c.67G>A (p.Ala23Thr)

Genes: CHAT (choline O-acetyltransferase; plus strand), SLC18A3 (solute carrier family 18 member A3; plus strand). Cytogenetic location: 10q11.23.
Variant type: single nucleotide variant.
Coding change: c.67G>A on transcript NM_003055.3 (MANE Select); coding-DNA position 67, G replaced by A.
Protein change: p.Ala23Thr; replaces alanine 23 with threonine.
Molecular consequence: missense variant. On other transcripts: intron variant (1).
Genome position (GRCh38, 1-based): chr10:49,610,807, G>A. VCF-style: chr10-49610807-G-A. GRCh37 (hg19) VCF-style: chr10-50818853-G-A.
Other names: c.-69+1608G>A (NM_020984.4); short protein forms A23T.
Identifiers: ClinVar variation 4776237 (VCV004776237.1).